The following is an entry in ClinVar:

ClinVar aggregate classification (germline): Benign/Likely benign. Review status: criteria provided, multiple submitters, no conflicts (2 of 4 stars). 4 submissions from 4 submitters: Benign (1); Likely benign (3). Last evaluated 2026-02-03.

Allele frequency attached by ClinVar (database versions not stated): TOPMed 0.00002; gnomAD exomes 0.00023 and 0.00053; gnomAD 0.00025 and 0.00027; ExAC 0.00041.
gnomAD v4.1: 276 of 1,193,775 alleles (0.023%); highest among the groups gnomAD compares: African/African-American, 0.0018%; no homozygotes.

Submissions (4):

Labcorp Genetics (formerly Invitae), Labcorp
Classification: Benign. Last evaluated: 2026-02-03. Review status: criteria provided, single submitter. Criteria: Invitae Variant Classification Sherloc (09022015). Collection method: clinical testing. Allele origin: germline.

CeGaT Center for Human Genetics Tuebingen
Classification: Likely benign. Last evaluated: 2024-07-01. Review status: criteria provided, single submitter. Criteria: CeGaT Center For Human Genetics Tuebingen Variant Classification Criteria Version 2. Collection method: clinical testing. Allele origin: germline. Affected: yes. Observed: 1 variant allele.
Comment: OPHN1: BP4, BP7, BS2

Blueprint Genetics
Classification: Likely benign. Last evaluated: 2024-05-30. Review status: criteria provided, single submitter. Criteria: ACMG Guidelines, 2015. Collection method: clinical testing. Allele origin: germline.

GeneDx
Classification: Likely benign. Last evaluated: 2020-10-13. Review status: criteria provided, single submitter. Criteria: GeneDx Variant Classification Process June 2021. Collection method: clinical testing. Allele origin: germline. Affected: yes.

NM_002547.3(OPHN1):c.315A>G (p.Val105=)

Gene: OPHN1 (oligophrenin 1; minus strand). Cytogenetic location: Xq12.
Variant type: single nucleotide variant.
Coding change: c.315A>G on transcript NM_002547.3 (MANE Select); coding-DNA position 315, A replaced by G.
Protein change: p.Val105=; no amino-acid change (valine 105 retained).
Molecular consequence: synonymous variant.
Genome position (GRCh38, 1-based): chrX:68,274,807, T>C on the plus strand (A>G on the coding strand, the complement: OPHN1 is on the minus strand). VCF-style: chrX-68274807-T-C. GRCh37 (hg19) VCF-style: chrX-67494649-T-C.
Identifiers: ClinVar variation 1201508 (VCV001201508.29), dbSNP rs770804956, ClinGen allele CA10437148.